The following is an entry in ClinVar:

NM_000051.4(ATM):c.8440G>C (p.Glu2814Gln)

Genes: ATM (ATM serine/threonine kinase; plus strand), C11orf65 (chromosome 11 open reading frame 65; minus strand). Cytogenetic location: 11q22.3.
Variant type: single nucleotide variant.
Coding change: c.8440G>C on transcript NM_000051.4 (MANE Select); coding-DNA position 8440, G replaced by C.
Protein change: p.Glu2814Gln; replaces glutamic acid 2814 with glutamine.
Molecular consequence: missense variant. On other transcripts: intron variant (2).
Genome position (GRCh38, 1-based): chr11:108,345,764, G>C. VCF-style: chr11-108345764-G-C. GRCh37 (hg19) VCF-style: chr11-108216491-G-C.
Other names: c.8440G>C, p.Glu2814Gln (NM_001351834.2); c.641-36693C>G (NM_001330368.2); c.695-10472C>G (NM_001351110.2); short protein forms E2814Q.
Identifiers: ClinVar variation 3015768 (VCV003015768.3), dbSNP rs2137025722, ClinGen allele CA382517814.
Genomic context (GRCh38, chr11:108,345,764, plus strand): 5'-CAATATTGAAAAATAATTATATATATTCTCTATTTAAAGGAGGTGCAAAAAAAGTCTTTT[G>C]AAGAGAAATATGAAGTCTTCATGGATGTTTGCCAAAATTTTCAACCAGTTTTCCGTTACT-3'
Protein context (NP_000042.3, residues 2804-2824): KMMEVQKKSF[Glu2814Gln]EKYEVFMDVC

ClinVar aggregate classification (germline): Uncertain significance (1 of 4 stars; one submission).

Conditions:
Ataxia-telangiectasia syndrome (AT). Also called: ATAXIA-TELANGIECTASIA, COMPLEMENTATION GROUP A; ATAXIA-TELANGIECTASIA, FRESNO VARIANT; Ataxia-telangiectasia; Ataxia-telangiectasia, complementation group E; LOUIS-BAR SYNDROME; Cerebello-oculocutaneous telangiectasia. Identifiers: Orphanet 100, MedGen C0004135, MONDO:0008840, OMIM 208900.

Submission:

Labcorp Genetics (formerly Invitae), Labcorp
Classification: Uncertain significance for Ataxia-telangiectasia syndrome. Last evaluated: 2024-07-13. Review status: criteria provided, single submitter. Criteria: Invitae Variant Classification Sherloc (09022015). Collection method: clinical testing. Allele origin: germline.
Comment: This sequence change replaces glutamic acid, which is acidic and polar, with glutamine, which is neutral and polar, at codon 2814 of the ATM protein (p.Glu2814Gln). This variant is not present in population databases (gnomAD no frequency). This variant has not been reported in the literature in individuals affected with ATM-related conditions. An algorithm developed to predict the effect of missense changes on protein structure and function (PolyPhen-2) suggests that this variant is likely to be disruptive. In summary, the available evidence is currently insufficient to determine the role of this variant in disease. Therefore, it has been classified as a Variant of Uncertain Significance.